The following is an entry in ClinVar:

ClinVar aggregate classification (germline): Uncertain significance (1 of 4 stars; one submission).

Conditions:
Hereditary spastic paraplegia. Also called: Familial spastic paraparesis. Identifiers: Orphanet 685, MedGen C0037773, MONDO:0019064. Disease mechanism: loss of function.

Allele frequency attached by ClinVar (database versions not stated): TOPMed below 0.00001; gnomAD 0.00001.
gnomAD v4.1: 11 of 1,542,660 alleles (0.00071%); highest among the groups gnomAD compares: Non-Finnish European, 0.00096%; no homozygotes.

Submission:

Labcorp Genetics (formerly Invitae), Labcorp
Classification: Uncertain significance for Hereditary spastic paraplegia. Last evaluated: 2021-08-16. Review status: criteria provided, single submitter. Criteria: Invitae Variant Classification Sherloc (09022015). Collection method: clinical testing. Allele origin: germline.
Comment: This variant has not been reported in the literature in individuals affected with USP8-related conditions. In summary, the available evidence is currently insufficient to determine the role of this variant in disease. Therefore, it has been classified as a Variant of Uncertain Significance. Algorithms developed to predict the effect of missense changes on protein structure and function output the following: SIFT: "Tolerated"; PolyPhen-2: "Benign"; Align-GVGD: "Class C0". The threonine amino acid residue is found in multiple mammalian species, which suggests that this missense change does not adversely affect protein function. This variant is not present in population databases (ExAC no frequency). This sequence change replaces alanine with threonine at codon 533 of the USP8 protein (p.Ala533Thr). The alanine residue is weakly conserved and there is a small physicochemical difference between alanine and threonine.

NM_005154.5(USP8):c.1597G>A (p.Ala533Thr)

Gene: USP8 (ubiquitin specific peptidase 8; plus strand). Cytogenetic location: 15q21.2.
Variant type: single nucleotide variant.
Coding change: c.1597G>A on transcript NM_005154.5 (MANE Select); coding-DNA position 1597, G replaced by A.
Protein change: p.Ala533Thr; replaces alanine 533 with threonine.
Molecular consequence: missense variant.
Genome position (GRCh38, 1-based): chr15:50,481,859, G>A. VCF-style: chr15-50481859-G-A. GRCh37 (hg19) VCF-style: chr15-50774056-G-A.
Other names: c.1597G>A, p.Ala533Thr (NM_001128610.3); c.1366G>A, p.Ala456Thr (NM_001283049.2); short protein forms A456T, A533T.
Identifiers: ClinVar variation 1425763 (VCV001425763.6), dbSNP rs768167279, ClinGen allele CA392393718.